The following is an entry in ClinVar:

ClinVar aggregate classification (germline): Uncertain significance (1 of 4 stars; one submission).

gnomAD v4.1: 5 of 1,550,196 alleles (0.00032%); highest among the groups gnomAD compares: Middle Eastern, 0.017%; no homozygotes.

Submission:

Women's Health and Genetics/Laboratory Corporation of America, LabCorp
Classification: Uncertain significance. Last evaluated: 2025-12-02. Review status: criteria provided, single submitter. Criteria: LabCorp Variant Classification Summary - May 2015. Collection method: clinical testing. Allele origin: germline.
Comment: Variant summary: ZNF469 c.2614G>A (p.Glu872Lys) results in a conservative amino acid change in the encoded protein sequence. Algorithms developed to predict the effect of missense changes on protein structure and function are either unavailable or do not agree on the potential impact of this missense change. The variant allele was found at a frequency of 6.7e-06 in 150020 control chromosomes. The available data on variant occurrences in the general population are insufficient to allow any conclusion about variant significance. To our knowledge, no occurrence of c.2614G>A in individuals affected with ZNF469-related conditions and no experimental evidence demonstrating its impact on protein function have been reported. No submitters have cited clinical-significance assessments for this variant to ClinVar. Based on the evidence outlined above, the variant was classified as uncertain significance.

NM_001367624.2(ZNF469):c.2614G>A (p.Glu872Lys)

Gene: ZNF469 (zinc finger protein 469; plus strand). Cytogenetic location: 16q24.2.
Variant type: single nucleotide variant.
Coding change: c.2614G>A on transcript NM_001367624.2 (MANE Select); coding-DNA position 2614, G replaced by A.
Protein change: p.Glu872Lys; replaces glutamic acid 872 with lysine.
Molecular consequence: missense variant.
Genome position (GRCh38, 1-based): chr16:88,430,084, G>A. VCF-style: chr16-88430084-G-A. GRCh37 (hg19) VCF-style: chr16-88496492-G-A.
Other names: short protein forms E872K.
Identifiers: ClinVar variation 4688664 (VCV004688664.1).